The following is an entry in ClinVar:

NM_001013838.3(CARMIL2):c.1223C>G (p.Pro408Arg)

Gene: CARMIL2 (capping protein regulator and myosin 1 linker 2; plus strand). Cytogenetic location: 16q22.1.
Variant type: single nucleotide variant.
Coding change: c.1223C>G on transcript NM_001013838.3 (MANE Select); coding-DNA position 1223, C replaced by G.
Protein change: p.Pro408Arg; replaces proline 408 with arginine.
Molecular consequence: missense variant. On other transcripts: intron variant (1).
Genome position (GRCh38, 1-based): chr16:67,648,203, C>G. VCF-style: chr16-67648203-C-G. GRCh37 (hg19) VCF-style: chr16-67682106-C-G.
Other names: c.1150-35C>G (NM_001317026.3); short protein forms P408R.
Identifiers: ClinVar variation 3628933 (VCV003628933.2).

ClinVar aggregate classification (germline): Uncertain significance (1 of 4 stars; one submission).

Submission:

Labcorp Genetics (formerly Invitae), Labcorp
Classification: Uncertain significance. Last evaluated: 2024-11-06. Review status: criteria provided, single submitter. Criteria: Invitae Variant Classification Sherloc (09022015). Collection method: clinical testing. Allele origin: germline.
Comment: This sequence change replaces proline, which is neutral and non-polar, with arginine, which is basic and polar, at codon 408 of the CARMIL2 protein (p.Pro408Arg). This variant is present in population databases (no rsID available, gnomAD 0.003%). This variant has not been reported in the literature in individuals affected with CARMIL2-related conditions. An algorithm developed to predict the effect of missense changes on protein structure and function (PolyPhen-2) suggests that this variant is likely to be tolerated. In summary, the available evidence is currently insufficient to determine the role of this variant in disease. Therefore, it has been classified as a Variant of Uncertain Significance.